The following is an entry in ClinVar:

NM_020975.6(RET):c.2940-3C>T

Gene: RET (ret proto-oncogene; plus strand). Cytogenetic location: 10q11.21.
Variant type: single nucleotide variant.
Coding change: c.2940-3C>T on transcript NM_020975.6 (MANE Select); 3 bases into the intron before coding-DNA position 2940, C replaced by T.
Molecular consequence: intron variant.
Genome position (GRCh38, 1-based): chr10:43,124,880, C>T. VCF-style: chr10-43124880-C-T. GRCh37 (hg19) VCF-style: chr10-43620328-C-T.
Other names: c.2940-3C>T (NM_020630.7, NM_001406743.1, NM_001406744.1 and 2 more transcripts); c.2805-3C>T (NM_001406765.1, NM_001406763.1); c.2544-3C>T (NM_001406772.1, NM_001406769.1); c.2502-3C>T (NM_001406773.1, NM_001406771.1); c.2043-3C>T (NM_001406782.1, NM_001406780.1, NM_001406779.1 and 1 more transcripts); c.1908-3C>T (NM_001406787.1); c.1923-3C>T (NM_001406785.1); c.2811-3C>T (NM_001406764.1, NM_001406762.1, NM_001406761.1); and 10 more.
Identifiers: ClinVar variation 2710398 (VCV002710398.3), dbSNP rs2538625661, ClinGen allele CA2697558324.

ClinVar aggregate classification (germline): Conflicting classifications of pathogenicity. Review status: criteria provided, conflicting classifications (1 of 4 stars). 2 submissions from 2 submitters: Uncertain significance (1); Likely benign (1). Last evaluated 2023-08-28.

Conditions:
Multiple endocrine neoplasia, type 2 (MEN2). Identifiers: Orphanet 653, MedGen C4048306, MONDO:0019003. Disease mechanism: gain of function.

Submissions (2):

All of Us Research Program, National Institutes of Health
Classification: Likely benign for Multiple endocrine neoplasia, type 2. Last evaluated: 2023-08-28. Review status: criteria provided, single submitter. Criteria: ACMG Guidelines, 2015. Collection method: clinical testing. Allele origin: germline. Inheritance: Autosomal dominant inheritance. Observed: 1 variant allele, 1 heterozygote.
Comment: This study involves interpretation of variants in research participants for the purpose of population health screening. Participant phenotype was not available at the time of variant classification. Additional details can be found in publication PMID: 35346344, PMCID: PMC8962531

Labcorp Genetics (formerly Invitae), Labcorp
Classification: Uncertain significance for Multiple endocrine neoplasia, type 2. Last evaluated: 2023-08-07. Review status: criteria provided, single submitter. Criteria: Invitae Variant Classification Sherloc (09022015). Collection method: clinical testing. Allele origin: germline.
Comment: In summary, the available evidence is currently insufficient to determine the role of this variant in disease. Therefore, it has been classified as a Variant of Uncertain Significance. Variants that disrupt the consensus splice site are a relatively common cause of aberrant splicing (PMID: 17576681, 9536098). Algorithms developed to predict the effect of sequence changes on RNA splicing suggest that this variant is not likely to affect RNA splicing. This variant has not been reported in the literature in individuals affected with RET-related conditions. This variant is not present in population databases (gnomAD no frequency). This sequence change falls in intron 17 of the RET gene. It does not directly change the encoded amino acid sequence of the RET protein. It affects a nucleotide within the consensus splice site.

Literature cited by the submitters: PubMed 17576681 (cited by Labcorp Genetics (formerly Invitae), Labcorp); PubMed 9536098 (cited by Labcorp Genetics (formerly Invitae), Labcorp).